The following is an entry in ClinVar:

NM_005173.4(ATP2A3):c.1471C>A (p.Arg491=)

Gene: ATP2A3 (ATPase sarcoplasmic/endoplasmic reticulum Ca2+ transporting 3; minus strand). Cytogenetic location: 17p13.2.
Variant type: single nucleotide variant.
Coding change: c.1471C>A on transcript NM_005173.4 (MANE Select); coding-DNA position 1471, C replaced by A.
Protein change: p.Arg491=; no amino-acid change (arginine 491 retained).
Molecular consequence: synonymous variant.
Genome position (GRCh38, 1-based): chr17:3,942,680, G>T on the plus strand (C>A on the coding strand, the complement: ATP2A3 is on the minus strand). VCF-style: chr17-3942680-G-T. GRCh37 (hg19) VCF-style: chr17-3845974-G-T.
Other names: c.1471C>A, p.Arg491= (NM_174953.3, NM_174954.3, NM_174955.3 and 3 more transcripts).
Identifiers: ClinVar variation 782037 (VCV000782037.6), dbSNP rs140082452, ClinGen allele CA8297187.
Genomic context (GRCh38, chr17:3,942,680, plus strand): 5'-TGCTGCCCTGGCCAGTAGGGTGAGGGCGGGTGGGCGTGCAGTACACGGACATGGATTTCC[G>T]GTCTCGGGAGAACTCCAGGGTGAACTCCTTCCGCATCAGCTGCTTGATGACCTGCGGGGT-3'
Protein context (NP_005164.2, residues 481-501): KEFTLEFSRD[Arg491=]KSMSVYCTPT

ClinVar aggregate classification (germline): Benign. Review status: criteria provided, multiple submitters, no conflicts (2 of 4 stars). 3 submissions from 3 submitters: Benign (2). 1 of the submissions does not count toward it. Last evaluated 2018-04-10.

Conditions:
ATP2A3-related disorder. Also called: ATP2A3-related condition.

Allele frequency attached by ClinVar (database versions not stated): 1000 Genomes Project 0.00100; 1000 Genomes Project 30x 0.00109; TOPMed 0.00204; gnomAD 0.00268; ESP Exome Variant Server 0.00377.
gnomAD v4.1: 5,246 of 1,613,654 alleles (0.33%); highest among the groups gnomAD compares: Non-Finnish European, 0.4%; 14 homozygotes.

Submissions (3):

Labcorp Genetics (formerly Invitae), Labcorp
Classification: Benign. Last evaluated: 2018-04-10. Review status: criteria provided, single submitter. Criteria: Invitae Variant Classification Sherloc (09022015). Collection method: clinical testing. Allele origin: germline.

Breakthrough Genomics
Classification: Benign. Review status: criteria provided, single submitter. Criteria: ACMG Guidelines, 2015. Collection method: not provided. Allele origin: germline. Inheritance: Unknown mechanism. Affected: yes.

PreventionGenetics, part of Exact Sciences
Classification: Likely benign for ATP2A3-related condition. Last evaluated: 2019-08-01. Review status: no assertion criteria provided. Collection method: clinical testing. Allele origin: germline. Not counted in ClinVar's aggregate classification.
Comment: This variant is classified as likely benign based on ACMG/AMP sequence variant interpretation guidelines (Richards et al. 2015 PMID: 25741868, with internal and published modifications).